The following is an entry in ClinVar:

ClinVar aggregate classification (germline): Uncertain significance (1 of 4 stars; one submission).

Conditions:
Neuronal ceroid lipofuscinosis. Also called: Neuronal Ceroid Lipofuscinoses. Identifiers: Orphanet 216, Orphanet 79263, MedGen C0027877, MONDO:0016295. Disease mechanism: loss of function.

Allele frequency attached by ClinVar (database versions not stated): gnomAD exomes below 0.00001.

Submission:

Labcorp Genetics (formerly Invitae), Labcorp
Classification: Uncertain significance for Neuronal ceroid lipofuscinosis. Last evaluated: 2024-07-22. Review status: criteria provided, single submitter. Criteria: Invitae Variant Classification Sherloc (09022015). Collection method: clinical testing. Allele origin: germline.
Comment: This variant, c.214_216del, results in the deletion of 1 amino acid(s) of the CLN3 protein (p.Gln72del), but otherwise preserves the integrity of the reading frame. This variant is present in population databases (no rsID available, gnomAD 0.003%). This variant has not been reported in the literature in individuals affected with CLN3-related conditions. ClinVar contains an entry for this variant (Variation ID: 858102). Experimental studies and prediction algorithms are not available or were not evaluated, and the functional significance of this variant is currently unknown. In summary, the available evidence is currently insufficient to determine the role of this variant in disease. Therefore, it has been classified as a Variant of Uncertain Significance.

NM_001042432.2(CLN3):c.214_216del (p.Gln72del)

Gene: CLN3 (CLN3 lysosomal/endosomal transmembrane protein, battenin; minus strand). Cytogenetic location: 16p12.1.
Variant type: Deletion.
Coding change: c.214_216del on transcript NM_001042432.2 (MANE Select); coding-DNA positions 214 to 216, 3 bases deleted (CAG; older notation c.214_216delCAG).
Protein change: p.Gln72del; deletes glutamine 72.
Molecular consequence: inframe deletion. On other transcripts: 5 prime UTR variant (1).
Genome position (GRCh38, 1-based): chr16:28,489,296-28,489,298, CTG deleted on the plus strand (CAG on the coding strand, the reverse complement: CLN3 is on the minus strand). VCF-style (leftmost placement, unchanged base first): chr16-28489295-TCTG-T. GRCh37 (hg19) VCF-style: chr16-28500616-TCTG-T.
Other names: c.214_216del, p.Gln72del (NM_000086.2, NM_001286104.2); c.-7_-5del (NM_001286105.2); c.52_54del, p.Gln18del (NM_001286109.2, NM_001286110.2); short protein forms Q18del, Q72del.
Identifiers: ClinVar variation 858102 (VCV000858102.8), dbSNP rs1473036975, ClinGen allele CA621717044.